The following is an entry in ClinVar:

NM_000501.4(ELN):c.163+13A>G

Gene: ELN (elastin; plus strand). Cytogenetic location: 7q11.23.
Variant type: single nucleotide variant.
Coding change: c.163+13A>G on transcript NM_000501.4 (MANE Select); 13 bases into the intron after coding-DNA position 163, A replaced by G.
Molecular consequence: intron variant.
Genome position (GRCh38, 1-based): chr7:74,036,597, A>G. VCF-style: chr7-74036597-A-G. GRCh37 (hg19) VCF-style: chr7-73450927-A-G.
Other names: c.163+13A>G (NM_001081754.3, NM_001081753.3, NM_001278939.2 and 5 more transcripts); c.134-1110A>G (NM_001278914.2, NM_001278917.2, NM_001081752.3 and 1 more transcripts).
Identifiers: ClinVar variation 360634 (VCV000360634.9), dbSNP rs782388951, ClinGen allele CA4292322.

ClinVar aggregate classification (germline): Conflicting classifications of pathogenicity. Review status: criteria provided, conflicting classifications (1 of 4 stars). 3 submissions from 2 submitters: Uncertain significance (1); Likely benign (2). Last evaluated 2025-12-03.

Conditions:
Supravalvar aortic stenosis (SVAS). Also called: Supravalvar aortic stenosis, Eisenberg type. Identifiers: Orphanet 3193, MedGen C0003499, MONDO:0008504, OMIM 185500, HP:0004381.
Cutis laxa, autosomal dominant 1 (ADCL1). Also called: ELN-Related Cutis Laxa. Identifiers: Orphanet 90348, MedGen C3276539, MONDO:0007411, OMIM 123700. Disease mechanism: Dominant Negative.

Allele frequency attached by ClinVar (database versions not stated): gnomAD 0.00001; gnomAD exomes 0.00002 and 0.00005; TOPMed 0.00003; ExAC 0.00004.
gnomAD v4.1: 27 of 1,613,864 alleles (0.0017%); highest among the groups gnomAD compares: Middle Eastern, 0.099%; 1 homozygote.

Submissions (3):

Labcorp Genetics (formerly Invitae), Labcorp
Classification: Likely benign for Supravalvar aortic stenosis. Last evaluated: 2025-12-03. Review status: criteria provided, single submitter. Criteria: Invitae Variant Classification Sherloc (09022015). Collection method: clinical testing. Allele origin: germline.

Illumina Laboratory Services, Illumina
Classification: Uncertain significance for Supravalvar aortic stenosis. Last evaluated: 2018-01-13. Review status: criteria provided, single submitter. Criteria: ICSL Variant Classification Criteria 13 December 2019. Collection method: clinical testing. Allele origin: germline.

Illumina Laboratory Services, Illumina
Classification: Likely benign for Cutis laxa, autosomal dominant 1. Last evaluated: 2018-01-13. Review status: criteria provided, single submitter. Criteria: ICSL Variant Classification Criteria 13 December 2019. Collection method: clinical testing. Allele origin: germline.
Comment: This variant was observed in the ICSL laboratory as part of a predisposition screen in an ostensibly healthy population. It had not been previously curated by ICSL or reported in the Human Gene Mutation Database (HGMD: prior to June 1st, 2018), and was therefore a candidate for classification through an automated scoring system. Utilizing variant allele frequency, disease prevalence and penetrance estimates, and inheritance mode, an automated score was calculated to assess if this variant is too frequent to cause the disease. Based on the score and internal cut-off values, a variant classified as likely benign is not then subjected to further curation. The score for this variant resulted in a classification of likely benign for this disease.